The following is an entry in ClinVar:

NM_000218.3(KCNQ1):c.878G>A (p.Arg293His)

Gene: KCNQ1 (potassium voltage-gated channel subfamily Q member 1; plus strand). Cytogenetic location: 11p15.5.
Variant type: single nucleotide variant.
Coding change: c.878G>A on transcript NM_000218.3 (MANE Select); coding-DNA position 878, G replaced by A.
Protein change: p.Arg293His; replaces arginine 293 with histidine.
Molecular consequence: missense variant.
Genome position (GRCh38, 1-based): chr11:2,572,943, G>A. VCF-style: chr11-2572943-G-A. GRCh37 (hg19) VCF-style: chr11-2594173-G-A.
Other names: p.R293H:CGC>CAC; c.878G>A (LRG_287t1); c.878G>A, p.Arg293His (NM_001406836.1); c.608G>A, p.Arg203His (NM_001406837.1); c.497G>A, p.Arg166His (NM_181798.2); short protein forms R293H, R166H, R203H.
Identifiers: ClinVar variation 67118 (VCV000067118.19), dbSNP rs199473465, ClinGen allele CA008532.
Genomic context (GRCh38, chr11:2,572,943, plus strand): 5'-TCATCTTCTCCTCGTACTTTGTGTACCTGGCTGAGAAGGACGCGGTGAACGAGTCAGGCC[G>A]CGTGGAGTTCGGCAGCTACGCAGATGCGCTGTGGTGGGGGGTGGTAAGTCGGAAACTTCC-3'
Protein context (NP_000209.2, residues 283-303): AEKDAVNESG[Arg293His]VEFGSYADAL

ClinVar aggregate classification (germline): Conflicting classifications of pathogenicity. Review status: criteria provided, conflicting classifications (1 of 4 stars). 9 submissions from 9 submitters: Uncertain significance (6); Likely benign (2). 1 of the submissions does not count toward it. Last evaluated 2026-09-04.

Conditions:
Cardiac arrhythmia. Also called: Arrhythmia; Cardiac rhythm disease. Identifiers: MedGen C0003811, MONDO:0007263, HP:0011675.
Cardiovascular phenotype. Identifiers: MedGen CN230736.
KCNQ1-related disorder. Also called: KCNQ1-related condition; KCNQ1-related disorders. Identifiers: MedGen CN239322.
Long QT syndrome (LQTS). Identifiers: MedGen C0023976, MeSH D008133, MONDO:0002442. Disease mechanism: loss of function. Inheritance: Various modes of inheritance.
Long QT syndrome 1 (LQT1). Identifiers: Orphanet 101016, Orphanet 768, MedGen C4551647, MONDO:0100316, OMIM 192500, MONDO:0008646.

Allele frequency attached by ClinVar (database versions not stated): TOPMed below 0.00001; ExAC 0.00001; gnomAD exomes 0.00001 and 0.00002.
gnomAD v4.1: 18 of 1,613,806 alleles (0.0011%); highest among the groups gnomAD compares: South Asian, 0.0077%; no homozygotes.

Submissions (9):

PreventionGenetics, part of Exact Sciences
Classification: Uncertain significance for KCNQ1-related condition. Last evaluated: 2026-09-04. Review status: criteria provided, single submitter. Criteria: ACMG Guidelines, 2015. Collection method: clinical testing. Allele origin: germline.
Comment: The KCNQ1 c.878G>A variant is predicted to result in the amino acid substitution p.Arg293His. To our knowledge, this variant has not been reported in the literature. This variant is reported in 0.0065% of alleles in individuals of South Asian descent in gnomAD. At this time, the clinical significance of this variant is uncertain due to the absence of conclusive functional and genetic evidence.

Labcorp Genetics (formerly Invitae), Labcorp
Classification: Uncertain significance for Long QT syndrome. Last evaluated: 2025-04-17. Review status: criteria provided, single submitter. Criteria: Invitae Variant Classification Sherloc (09022015). Collection method: clinical testing. Allele origin: germline.
Comment: This sequence change replaces arginine, which is basic and polar, with histidine, which is basic and polar, at codon 293 of the KCNQ1 protein (p.Arg293His). This variant is present in population databases (rs199473465, gnomAD 0.006%). This variant has not been reported in the literature in individuals affected with KCNQ1-related conditions. ClinVar contains an entry for this variant (Variation ID: 67118). An algorithm developed to predict the effect of missense changes on protein structure and function outputs the following: PolyPhen-2: "Benign". The histidine amino acid residue is found in multiple mammalian species, which suggests that this missense change does not adversely affect protein function. In summary, the available evidence is currently insufficient to determine the role of this variant in disease. Therefore, it has been classified as a Variant of Uncertain Significance.

Color Diagnostics, LLC DBA Color Health
Classification: Uncertain significance for Cardiac arrhythmia. Last evaluated: 2024-05-20. Review status: criteria provided, single submitter. Criteria: ACMG Guidelines, 2015. Collection method: clinical testing. Allele origin: germline.
Comment: This missense variant replaces arginine with histidine at codon 293 of the KCNQ1 protein. Computational prediction is inconclusive regarding the impact of this variant on protein structure and function (internally defined REVEL score threshold 0.5 < inconclusive < 0.7, PMID: 27666373). To our knowledge, functional studies have not been reported for this variant. This variant has been reported in an unaffected control individual in a long QT syndrome case-control study (PMID:19841300). This variant has been identified in 4/250276 chromosomes in the general population by the Genome Aggregation Database (gnomAD). The available evidence is insufficient to determine the role of this variant in disease conclusively. Therefore, this variant is classified as a Variant of Uncertain Significance.

All of Us Research Program, National Institutes of Health
Classification: Uncertain significance for Long QT syndrome. Last evaluated: 2023-12-01. Review status: criteria provided, single submitter. Criteria: ACMG Guidelines, 2015. Collection method: clinical testing. Allele origin: germline. Inheritance: Autosomal dominant inheritance. Observed: 3 variant alleles, 3 heterozygotes.
Comment: This missense variant replaces arginine with histidine at codon 293 of the KCNQ1 protein. Computational prediction is inconclusive regarding the impact of this variant on protein structure and function (internally defined REVEL score threshold 0.5 < inconclusive < 0.7, PMID: 27666373). To our knowledge, functional studies have not been reported for this variant. This variant has been reported in an unaffected control individual in a long QT syndrome case-control study (PMID:19841300). This variant has been identified in 4/250276 chromosomes in the general population by the Genome Aggregation Database (gnomAD). The available evidence is insufficient to determine the role of this variant in disease conclusively. Therefore, this variant is classified as a Variant of Uncertain Significance.

This study involves interpretation of variants in research participants for the purpose of population health screening. Participant phenotype was not available at the time of variant classification. Additional details can be found in publication PMID: 35346344, PMCID: PMC8962531

Ambry Genetics
Classification: Uncertain significance for Cardiovascular phenotype. Last evaluated: 2022-01-12. Review status: criteria provided, single submitter. Criteria: Ambry Variant Classification Scheme 2023. Collection method: clinical testing. Allele origin: germline.

Blueprint Genetics
Classification: Likely benign. Last evaluated: 2021-09-10. Review status: criteria provided, single submitter. Criteria: ACMG Guidelines, 2015. Collection method: clinical testing. Allele origin: germline.

MVZ Martinsried, Medicover Genetics
Classification: Uncertain significance for Long QT syndrome 1. Last evaluated: 2020-04-15. Review status: criteria provided, single submitter. Criteria: ACGS Guidelines, 2020. Collection method: clinical testing. Allele origin: unknown. Affected: yes.

GeneDx
Classification: Likely benign. Last evaluated: 2011-08-19. Review status: criteria provided, single submitter. Criteria: GeneDx Variant Classification (06012015). Collection method: clinical testing. Allele origin: germline. Affected: yes.
Comment: This variant is considered likely benign or benign based on one or more of the following criteria: it is a conservative change, it occurs at a poorly conserved position in the protein, it is predicted to be benign by multiple in silico algorithms, and/or has population frequency not consistent with disease.

Cardiovascular Biomedical Research Unit, Royal Brompton & Harefield NHS Foundation Trust
No classification provided. Review status: no classification provided. Collection method: literature only. Allele origin: germline. Not counted in ClinVar's aggregate classification.
Comment: This variant has been reported in the following publications (PMID:19841300).

Literature cited by the submitters: PubMed 19841300 (cited by 3 submitters); PubMed 22581653 (cited by Cardiovascular Biomedical Research Unit, Royal Brompton & Harefield NHS Foundation Trust).